The following is an entry in ClinVar:

NM_001040108.2(MLH3):c.3315C>T (p.Asp1105=)

Gene: MLH3 (mutL homolog 3; minus strand). Cytogenetic location: 14q24.3.
Variant type: single nucleotide variant.
Coding change: c.3315C>T on transcript NM_001040108.2 (MANE Select); coding-DNA position 3315, C replaced by T.
Protein change: p.Asp1105=; no amino-acid change (aspartic acid 1105 retained).
Molecular consequence: synonymous variant.
Genome position (GRCh38, 1-based): chr14:75,042,443, G>A on the plus strand (C>T on the coding strand, the complement: MLH3 is on the minus strand). VCF-style: chr14-75042443-G-A. GRCh37 (hg19) VCF-style: chr14-75509146-G-A.
Other names: c.3315C>T, p.Asp1105= (NM_014381.3).
Identifiers: ClinVar variation 3232534 (VCV003232534.2), dbSNP rs28757008, ClinGen allele CA487176806.
Genomic context (GRCh38, chr14:75,042,443, plus strand): 5'-GTTATCCTGTCTCATCACAGTCCTCTCTGCTCGAGCTCTCGGAAGGAAAGGAAGAACAAG[G>A]TCGCTTCTAAAAGGTTGACACCTGTACTGAGACCCTAAATATAAGAAAGAAAAACCTAGA-3'
Protein context (NP_001035197.1, residues 1095-1115): SQYRCQPFRS[Asp1105=]LVLPFLPRAR

ClinVar aggregate classification (germline): Benign/Likely benign. Review status: criteria provided, multiple submitters, no conflicts (2 of 4 stars). 2 submissions from 2 submitters: Benign (1); Likely benign (1). Last evaluated 2026-05-05.

Conditions:
Colorectal cancer, hereditary nonpolyposis, type 7. Identifiers: Orphanet 144, MedGen C1858380, MONDO:0013725, OMIM 614385.

Submissions (2):

Myriad Genetics, Inc.
Classification: Benign for Colorectal cancer, hereditary nonpolyposis, type 7. Last evaluated: 2026-05-05. Review status: criteria provided, single submitter. Criteria: Myriad Autosomal Dominant, Autosomal Recessive and X-Linked Classification Criteria (2023). Collection method: clinical testing. Allele origin: unknown.
Comment: This variant is considered benign. This variant is a silent/synonymous amino acid change and it is not expected to impact splicing.

Ambry Genetics
Classification: Likely benign. Last evaluated: 2023-12-15. Review status: criteria provided, single submitter. Criteria: Ambry Variant Classification Scheme 2023. Collection method: clinical testing. Allele origin: germline.